The following is an entry in ClinVar:

NM_001378120.1(MBD5):c.5128C>G (p.Gln1710Glu)

Gene: MBD5 (methyl-CpG binding domain protein 5; plus strand). Cytogenetic location: 2q23.1.
Variant type: single nucleotide variant.
Coding change: c.5128C>G on transcript NM_001378120.1 (MANE Select); coding-DNA position 5128, C replaced by G.
Protein change: p.Gln1710Glu; replaces glutamine 1710 with glutamic acid.
Molecular consequence: missense variant.
Genome position (GRCh38, 1-based): chr2:148,512,885, C>G. VCF-style: chr2-148512885-C-G. GRCh37 (hg19) VCF-style: chr2-149270454-C-G.
Other names: c.4429C>G, p.Gln1477Glu (NM_018328.5); short protein forms Q1477E, Q1710E.
Identifiers: ClinVar variation 1308265 (VCV001308265.2), dbSNP rs2105294920, ClinGen allele CA348859362.
Genomic context (GRCh38, chr2:148,512,885, plus strand): 5'-TCATCCTCTGTTGTTGTTGTTTTTTTTCTACCTTTTTATTTCCAGGTACACCAAATCCCA[C>G]AGGGTGACAGACAAATGAGACCCCCCAAACCCAAGAGGAGGAAGATCTCCAGATAACAGA-3'
Protein context (NP_001365049.1, residues 1700-1720): KMSGTVHQIP[Gln1710Glu]GDRQMRPPKP

ClinVar aggregate classification (germline): Uncertain significance (1 of 4 stars; one submission).

gnomAD v4.1: 1 of 1,613,762 alleles (0.000062%); highest among the groups gnomAD compares: Non-Finnish European, 0.000085%; no homozygotes.

Submission:

GeneDx
Classification: Uncertain significance. Last evaluated: 2019-03-25. Review status: criteria provided, single submitter. Criteria: GeneDx Variant Classification Process June 2021. Collection method: clinical testing. Allele origin: germline. Affected: yes.
Comment: Has not been previously published as pathogenic or benign to our knowledge; Not observed in large population cohorts (Lek et al., 2016); In silico analysis, which includes protein predictors and evolutionary conservation, supports that this variant does not alter protein structure/function